The following is an entry in ClinVar:

NM_000368.5(TSC1):c.3109_3111dup (p.Gly1037dup)

Gene: TSC1 (TSC complex subunit 1; minus strand). Cytogenetic location: 9q34.13.
Variant type: Duplication.
Coding change: c.3109_3111dup on transcript NM_000368.5 (MANE Select); coding-DNA positions 3109 to 3111, 3 bases duplicated (GGC; older notation c.3109_3111dupGGC).
Protein change: p.Gly1037dup; duplicates glycine 1037.
Molecular consequence: inframe insertion.
Genome position (GRCh38, 1-based): chr9:132,896,619-132,896,621, GCC duplicated on the plus strand (GGC on the coding strand, the reverse complement: TSC1 is on the minus strand). VCF-style (leftmost placement, unchanged base first): chr9-132896618-T-TGCC. GRCh37 (hg19) VCF-style: chr9-135772005-T-TGCC.
Other names: c.3106_3108dup, p.Gly1036dup (NM_001162426.2); c.2956_2958dup, p.Gly986dup (NM_001162427.2); c.2746_2748dup, p.Gly916dup (NM_001362177.2); c.3109_3111dupGGC (NM_000368.4).
Identifiers: ClinVar variation 1400732 (VCV001400732.8), dbSNP rs2131608962, ClinGen allele CA2573144358.

ClinVar aggregate classification (germline): Uncertain significance. Review status: criteria provided, multiple submitters, no conflicts (2 of 4 stars). 2 submissions from 2 submitters: Uncertain significance (2). Last evaluated 2025-04-02.

Conditions:
Hereditary cancer-predisposing syndrome. Also called: Neoplastic Syndromes, Hereditary; Hereditary neoplastic syndrome; Hereditary Cancer Syndrome; Tumor predisposition. Identifiers: Orphanet 140162, MedGen C0027672, MeSH D009386, MONDO:0015356.
Tuberous sclerosis 1 (TSC1). Identifiers: Orphanet 805, MedGen C1854465, MONDO:0008612, OMIM 191100.

Submissions (2):

Ambry Genetics
Classification: Uncertain significance for Hereditary cancer-predisposing syndrome. Last evaluated: 2025-04-02. Review status: criteria provided, single submitter. Criteria: Ambry Variant Classification Scheme 2023. Collection method: clinical testing. Allele origin: germline.
Comment: The c.3109_3111dupGGC variant (also known as p.G1037dup), located in coding exon 21 of the TSC1 gene, results from an in-frame duplication of GGC at nucleotide positions 3109 to 3111. This results in the duplication of an extra glycine residue between codons 1037 and 1038. This amino acid region is highly conserved in available vertebrate species. In addition, this alteration is predicted to be neutral by in silico analysis (Choi Y et al. PLoS ONE. 2012; 7(10):e46688). Based on the available evidence, the clinical significance of this variant remains unclear.

Labcorp Genetics (formerly Invitae), Labcorp
Classification: Uncertain significance for Tuberous sclerosis 1. Last evaluated: 2023-07-31. Review status: criteria provided, single submitter. Criteria: Invitae Variant Classification Sherloc (09022015). Collection method: clinical testing. Allele origin: germline.
Comment: In summary, the available evidence is currently insufficient to determine the role of this variant in disease. Therefore, it has been classified as a Variant of Uncertain Significance. Experimental studies and prediction algorithms are not available or were not evaluated, and the functional significance of this variant is currently unknown. ClinVar contains an entry for this variant (Variation ID: 1400732). This variant has not been reported in the literature in individuals affected with TSC1-related conditions. This variant is not present in population databases (gnomAD no frequency). This variant, c.3109_3111dup, results in the insertion of 1 amino acid(s) of the TSC1 protein (p.Gly1037dup), but otherwise preserves the integrity of the reading frame.